The following is an entry in ClinVar:

ClinVar aggregate classification (germline): Pathogenic (3 of 4 stars; one submission).

Conditions:
ATM-related cancer predisposition. Also called: ATM-related cancer susceptibility. Identifiers: MedGen CN377759, MONDO:0700270.

Submission:

ClinGen Hereditary Breast, Ovarian and Pancreatic Cancer Variant Curation Expert Panel, ClinGen
Classification: Pathogenic for ATM-related cancer predisposition. Last evaluated: 2024-02-26. Review status: reviewed by expert panel. Criteria: ClinGen HBOP ACMG Specifications ATM V1.2.0. Collection method: curation. Allele origin: germline. Inheritance: Autosomal dominant inheritance.
Comment: The c.4389del p. Phe1463Leufs*10 variant in ATM is a frameshift variant in a biologically-relevant-exon predicted to cause a premature stop codon leading to nonsense mediated decay in a gene in which loss-of-function is an established disease mechanism. This alteration results in a termination codon upstream of the most C-terminus pathogenic alteration (ATM p.Arg3047*), as classified by the HBOP VCEP, and is expected to be more deleterious. This variant is absent from gnomAD v2.1.1. This variant has been detected in at least 1 individual with Ataxia-Telangiectasia (PMID: 26896183, 9463314). In summary, this variant meets criteria to be classified as pathogenic for autosomal dominant hereditary breast cancer and autosomal recessive Ataxia-Telangiectasia based on the ACMG/AMP criteria applied, as specified by the HBOP VCEP (PVS1, PM2_Supporting, PM3_Strong, PM5_supporting).

NM_000051.4(ATM):c.4389del (p.Phe1463fs)

Gene: ATM (ATM serine/threonine kinase; plus strand). Cytogenetic location: 11q22.3.
Variant type: Deletion.
Coding change: c.4389del on transcript NM_000051.4 (MANE Select); coding-DNA position 4389, one base deleted (T; older notation c.4389delT).
Protein change: p.Phe1463fs; shifts the reading frame from phenylalanine 1463.
Molecular consequence: frameshift variant.
Genome position (GRCh38, 1-based): chr11:108,289,754, T deleted; the last of 3 consecutive T bases (chr11:108,289,752-108,289,754); deleting any one gives the same sequence. VCF-style (leftmost placement, unchanged base first): chr11-108289751-CT-C. GRCh37 (hg19) VCF-style: chr11-108160478-CT-C.
Other names: NM_000051.4:c.4389del; c.4389del, p.Phe1463fs (NM_001351834.2); short protein forms F1463fs.
Identifiers: ClinVar variation 3028907 (VCV003028907.2), dbSNP rs2546910311, ClinGen allele CA2695202151.
Genomic context (GRCh38, chr11:108,289,751, plus strand): 5'-TCACCTGTTTGTTAGTTTATTACTGAAAGATATAAAAAGTGGCTTAGGAGGAGCTTGGGC[CT>C]TTGTTCTTCGAGACGTTATTTATACTTTGATTCACTATATCAACCAAAGGTAAATAACAT-3'